The following is an entry in ClinVar:

NM_000069.3(CACNA1S):c.2449G>T (p.Ala817Ser)

Gene: CACNA1S (calcium voltage-gated channel subunit alpha1 S; minus strand). Cytogenetic location: 1q32.1.
Variant type: single nucleotide variant.
Coding change: c.2449G>T on transcript NM_000069.3 (MANE Select); coding-DNA position 2449, G replaced by T.
Protein change: p.Ala817Ser; replaces alanine 817 with serine.
Molecular consequence: missense variant.
Genome position (GRCh38, 1-based): chr1:201,069,513, C>A on the plus strand (G>T on the coding strand, the complement: CACNA1S is on the minus strand). VCF-style: chr1-201069513-C-A. GRCh37 (hg19) VCF-style: chr1-201038641-C-A.
Other names: short protein forms A817S.
Identifiers: ClinVar variation 3386349 (VCV003386349.2).
Genomic context (GRCh38, chr1:201,069,513, plus strand): 5'-AGAGGGTGAAGCCCGTCACCTGATTTCTCATGGAATCAGCCCGGATGGGGTCTTCCGCAG[C>A]CAGTGCAGCGCTGCTGAGCAGGATGAAGAGCAGGATGAAGTTGGTAAACCAGGTGGCATT-3'
Protein context (NP_000060.2, residues 807-827): LFILLSSAAL[Ala817Ser]AEDPIRADSM

ClinVar aggregate classification (germline): Uncertain significance. Review status: criteria provided, multiple submitters, no conflicts (2 of 4 stars). 2 submissions from 2 submitters: Uncertain significance (2). Last evaluated 2024-05-30.

Conditions:
Malignant hyperthermia, susceptibility to, 5 (MHS5). Also called: CACNA1S-Related Malignant Hyperthermia Susceptibility. Identifiers: Orphanet 423, MedGen C1866077, MONDO:0011163, OMIM 601887.

gnomAD v4.1: 1 of 1,596,952 alleles (0.000063%); highest among the groups gnomAD compares: Admixed American, 0.0018%; no homozygotes.

Submissions (2):

All of Us Research Program, National Institutes of Health
Classification: Uncertain significance for Malignant hyperthermia, susceptibility to, 5. Last evaluated: 2024-05-30. Review status: criteria provided, single submitter. Criteria: ACMG Guidelines, 2015. Collection method: clinical testing. Allele origin: germline. Inheritance: Autosomal dominant inheritance. Observed: 1 variant allele, 1 heterozygote.
Comment: This missense variant replaces alanine with serine at codon 817 of the CACNA1S protein. Computational prediction suggests that this variant may have deleterious impact on protein structure and function (internally defined REVEL score threshold >= 0.7, PMID: 27666373). To our knowledge, functional studies have not been reported for this variant. This variant has not been reported in individuals affected with CACNA1S-related disorders in the literature. This variant has been identified in 1/217620 chromosomes in the general population by the Genome Aggregation Database (gnomAD). The available evidence is insufficient to determine the role of this variant in disease conclusively. Therefore, this variant is classified as a Variant of Uncertain Significance.

This study involves interpretation of variants in research participants for the purpose of population health screening. Participant phenotype was not available at the time of variant classification. Additional details can be found in publication PMID: 35346344, PMCID: PMC8962531

Color Diagnostics, LLC DBA Color Health
Classification: Uncertain significance for Malignant hyperthermia, susceptibility to, 5. Last evaluated: 2024-05-07. Review status: criteria provided, single submitter. Criteria: ACMG Guidelines, 2015. Collection method: clinical testing. Allele origin: germline.
Comment: This missense variant replaces alanine with serine at codon 817 of the CACNA1S protein. Computational prediction suggests that this variant may have deleterious impact on protein structure and function. To our knowledge, functional studies have not been reported for this variant. This variant has not been reported in individuals affected with CACNA1S-related disorders in the literature. This variant has been identified in 1/217620 chromosomes in the general population by the Genome Aggregation Database (gnomAD). The available evidence is insufficient to determine the role of this variant in disease conclusively. Therefore, this variant is classified as a Variant of Uncertain Significance.